The following is an entry in ClinVar:

NM_014363.6(SACS):c.2062G>A (p.Val688Ile)

Gene: SACS (sacsin molecular chaperone; minus strand). Cytogenetic location: 13q12.12.
Variant type: single nucleotide variant.
Coding change: c.2062G>A on transcript NM_014363.6 (MANE Select); coding-DNA position 2062, G replaced by A.
Protein change: p.Val688Ile; replaces valine 688 with isoleucine.
Molecular consequence: missense variant.
Genome position (GRCh38, 1-based): chr13:23,354,550, C>T on the plus strand (G>A on the coding strand, the complement: SACS is on the minus strand). VCF-style: chr13-23354550-C-T. GRCh37 (hg19) VCF-style: chr13-23928689-C-T.
Other names: c.1621G>A, p.Val541Ile (NM_001278055.2); short protein forms V541I, V688I.
Identifiers: ClinVar variation 1962473 (VCV001962473.2), dbSNP rs1870197310, ClinGen allele CA387545255.
Genomic context (GRCh38, chr13:23,354,550, plus strand): 5'-AACAGGAATGTTAGAAGGGGGACCCCTACCTTGGATATTCTGCTGAGGTAATATAAATGA[C>T]ATCTTGGTCTGATACAGATGAGGAGAAGGGGACAAAATTGCCATTTTGTAAAGGGAGCAG-3'
Protein context (NP_055178.3, residues 678-698): PFSSSVSDQD[Val688Ile]IYITSAEYPR

ClinVar aggregate classification (germline): Uncertain significance (1 of 4 stars; one submission).

Conditions:
Spastic paraplegia. Identifiers: MedGen C0037772, HP:0001258.

Allele frequency attached by ClinVar (database versions not stated): gnomAD exomes below 0.00001; gnomAD 0.00001; TOPMed 0.00001.
gnomAD v4.1: 3 of 1,614,044 alleles (0.00019%); highest among the groups gnomAD compares: Non-Finnish European, 0.00025%; no homozygotes.

Submission:

Labcorp Genetics (formerly Invitae), Labcorp
Classification: Uncertain significance for Spastic paraplegia. Last evaluated: 2022-05-08. Review status: criteria provided, single submitter. Criteria: Invitae Variant Classification Sherloc (09022015). Collection method: clinical testing. Allele origin: germline.
Comment: This sequence change replaces valine, which is neutral and non-polar, with isoleucine, which is neutral and non-polar, at codon 688 of the SACS protein (p.Val688Ile). This variant is not present in population databases (gnomAD no frequency). This variant has not been reported in the literature in individuals affected with SACS-related conditions. Advanced modeling of protein sequence and biophysical properties (such as structural, functional, and spatial information, amino acid conservation, physicochemical variation, residue mobility, and thermodynamic stability) performed at Invitae indicates that this missense variant is not expected to disrupt SACS protein function. In summary, the available evidence is currently insufficient to determine the role of this variant in disease. Therefore, it has been classified as a Variant of Uncertain Significance.